The following is an entry in ClinVar:

NM_000548.5(TSC2):c.3572C>T (p.Thr1191Ile)

Gene: TSC2 (TSC complex subunit 2; plus strand). Cytogenetic location: 16p13.3.
Variant type: single nucleotide variant.
Coding change: c.3572C>T on transcript NM_000548.5 (MANE Select); coding-DNA position 3572, C replaced by T.
Protein change: p.Thr1191Ile; replaces threonine 1191 with isoleucine.
Molecular consequence: missense variant. On other transcripts: non-coding transcript variant (5).
Genome position (GRCh38, 1-based): chr16:2,080,339, C>T. VCF-style: chr16-2080339-C-T. GRCh37 (hg19) VCF-style: chr16-2130340-C-T.
Other names: c.2096C>T, p.Thr699Ile (NM_001406697.1, NM_001406691.1, NM_001406695.1 and 1 more transcripts); c.1838C>T, p.Thr613Ile (NM_001406698.1); c.3443C>T, p.Thr1148Ile (NM_021055.3, NM_001363528.2, NM_001370405.1); c.3440C>T, p.Thr1147Ile (NM_001077183.3, NM_001370404.1, NM_001406665.1); c.3572C>T, p.Thr1191Ile (NM_001114382.3); c.3332C>T, p.Thr1111Ile (NM_001318827.2); c.3296C>T, p.Thr1099Ile (NM_001318829.2); c.2840C>T, p.Thr947Ile (NM_001318831.2, NM_001406687.1, NM_001406688.1); and 18 more; short protein forms T1111I, T1128I, T1154I, T1177I, T743I, T991I, T1110I, T1148I.
Identifiers: ClinVar variation 3811304 (VCV003811304.1).
Genomic context (GRCh38, chr16:2,080,339, plus strand): 5'-CTGGCACCCGGGTTCCTGTGCAGGAGAAGACGAACCTGGCGGCCTATGTGCCCCTGCTGA[C>T]CCAGGGCTGGGCGGAGATCCTGGTCCGGAGGCCCACAGGTACTGGGCGGGGCTGGCCTGA-3'
Protein context (NP_000539.2, residues 1181-1201): TNLAAYVPLL[Thr1191Ile]QGWAEILVRR

ClinVar aggregate classification (germline): Uncertain significance (1 of 4 stars; one submission).

Conditions:
Hereditary cancer-predisposing syndrome. Also called: Neoplastic Syndromes, Hereditary; Hereditary Cancer Syndrome; Tumor predisposition; Hereditary neoplastic syndrome. Identifiers: Orphanet 140162, MedGen C0027672, MeSH D009386, MONDO:0015356.

Submission:

Ambry Genetics
Classification: Uncertain significance for Hereditary cancer-predisposing syndrome. Last evaluated: 2024-12-26. Review status: criteria provided, single submitter. Criteria: Ambry Variant Classification Scheme 2023. Collection method: clinical testing. Allele origin: germline.
Comment: The p.T1191I variant (also known as c.3572C>T), located in coding exon 29 of the TSC2 gene, results from a C to T substitution at nucleotide position 3572. The threonine at codon 1191 is replaced by isoleucine, an amino acid with similar properties. This amino acid position is highly conserved in available vertebrate species. In addition, this alteration is predicted to be deleterious by in silico analysis. Based on the available evidence, the clinical significance of this variant remains unclear.